The following is an entry in ClinVar:

NM_000135.4(FANCA):c.2541G>C (p.Lys847Asn)

Gene: FANCA (FA complementation group A; minus strand). Cytogenetic location: 16q24.3.
Variant type: single nucleotide variant.
Coding change: c.2541G>C on transcript NM_000135.4 (MANE Select); coding-DNA position 2541, G replaced by C.
Protein change: p.Lys847Asn; replaces lysine 847 with asparagine.
Molecular consequence: missense variant.
Genome position (GRCh38, 1-based): chr16:89,767,201, C>G on the plus strand (G>C on the coding strand, the complement: FANCA is on the minus strand). VCF-style: chr16-89767201-C-G. GRCh37 (hg19) VCF-style: chr16-89833609-C-G.
Other names: c.2541G>C, p.Lys847Asn (NM_001286167.3); short protein forms K847N.
Identifiers: ClinVar variation 4993127 (VCV004993127.1).

ClinVar aggregate classification (germline): Uncertain significance (1 of 4 stars; one submission).

Conditions:
FANCA-related disorder. Also called: FANCA-related condition.

Submission:

PreventionGenetics, part of Exact Sciences
Classification: Uncertain significance for FANCA-related condition. Last evaluated: 2025-10-06. Review status: criteria provided, single submitter. Criteria: ACMG Guidelines, 2015. Collection method: clinical testing. Allele origin: germline.
Comment: The FANCA c.2541G>C variant is predicted to result in the amino acid substitution p.Lys847Asn. To our knowledge, this variant has not been reported in the literature or in a large population database (gnomAD), indicating this variant is rare. At this time, the clinical significance of this variant is uncertain due to the absence of conclusive functional and genetic evidence.